The following is an entry in ClinVar:

NM_020376.4(PNPLA2):c.177G>C (p.Gly59=)

Genes: PNPLA2 (patatin like domain 2, triacylglycerol lipase; plus strand), LOC130005097 (ATAC-STARR-seq lymphoblastoid silent region 3036; plus strand). Cytogenetic location: 11p15.5.
Variant type: single nucleotide variant.
Coding change: c.177G>C on transcript NM_020376.4 (MANE Select); coding-DNA position 177, G replaced by C.
Protein change: p.Gly59=; no amino-acid change (glycine 59 retained).
Molecular consequence: synonymous variant.
Genome position (GRCh38, 1-based): chr11:819,895, G>C. VCF-style: chr11-819895-G-C. GRCh37 (hg19) VCF-style: chr11-819895-G-C.
Identifiers: ClinVar variation 759183 (VCV000759183.12), dbSNP rs917822758, ClinGen allele CA216967398.

ClinVar aggregate classification (germline): Likely benign. Review status: criteria provided, single submitter (1 of 4 stars). 2 submissions from 2 submitters: Likely benign (1). 1 of the submissions does not count toward it. Last evaluated 2022-06-07.

Conditions:
PNPLA2-related disorder. Also called: PNPLA2-related condition.
Neutral lipid storage myopathy (NLSDM). Also called: NEUTRAL LIPID STORAGE DISEASE WITHOUT ICHTHYOSIS. Identifiers: Orphanet 98908, MedGen C1853136, MONDO:0012545, OMIM 610717.

Allele frequency attached by ClinVar (database versions not stated): TOPMed 0.00003; 1000 Genomes Project 30x 0.00031.
gnomAD v4.1: 14 of 1,408,946 alleles (0.00099%); highest among the groups gnomAD compares: African/African-American, 0.0045%; no homozygotes.

Submissions (2):

Labcorp Genetics (formerly Invitae), Labcorp
Classification: Likely benign for Neutral lipid storage myopathy. Last evaluated: 2022-06-07. Review status: criteria provided, single submitter. Criteria: Invitae Variant Classification Sherloc (09022015). Collection method: clinical testing. Allele origin: germline.

PreventionGenetics, part of Exact Sciences
Classification: Likely benign for PNPLA2-related condition. Last evaluated: 2021-09-08. Review status: no assertion criteria provided. Collection method: clinical testing. Allele origin: germline. Not counted in ClinVar's aggregate classification.
Comment: This variant is classified as likely benign based on ACMG/AMP sequence variant interpretation guidelines (Richards et al. 2015 PMID: 25741868, with internal and published modifications).